The following is an entry in ClinVar:

NM_000543.5(SMPD1):c.731G>C (p.Gly244Ala)

Gene: SMPD1 (sphingomyelin phosphodiesterase 1; plus strand). Cytogenetic location: 11p15.4.
Variant type: single nucleotide variant.
Coding change: c.731G>C on transcript NM_000543.5 (MANE Select); coding-DNA position 731, G replaced by C.
Protein change: p.Gly244Ala; replaces glycine 244 with alanine.
Molecular consequence: missense variant. On other transcripts: 5 prime UTR variant (1), non-coding transcript variant (1).
Genome position (GRCh38, 1-based): chr11:6,391,796, G>C. VCF-style: chr11-6391796-G-C. GRCh37 (hg19) VCF-style: chr11-6413026-G-C.
Other names: c.728G>C, p.Gly243Ala (NM_001007593.3); c.731G>C, p.Gly244Ala (NM_001318087.2, NM_001365135.2); c.-231G>C (NM_001318088.2); short protein forms G243A, G244A.
Identifiers: ClinVar variation 1524692 (VCV001524692.10), dbSNP rs2134011288, ClinGen allele CA379370891.
Genomic context (GRCh38, chr11:6,391,796, plus strand): 5'-CAGACCCACTGTGCTGCCGCCGGGGTTCTGGCCTGCCGCCCGCATCCCGGCCAGGTGCCG[G>C]ATACTGGGGCGAATACAGCAAGTGTGACCTGCCCCTGAGGACCCTGGAGAGCCTGTTGAG-3'
Protein context (NP_000534.3, residues 234-254): GLPPASRPGA[Gly244Ala]YWGEYSKCDL

ClinVar aggregate classification (germline): Conflicting classifications of pathogenicity. Review status: criteria provided, conflicting classifications (1 of 4 stars). 2 submissions from 2 submitters: Likely pathogenic (1); Uncertain significance (1). Last evaluated 2025-07-31.

Conditions:
Niemann-Pick disease, type B. Also called: Chronic Visceral ASMD (Niemann-Pick Disease Type B; NPD-B). Identifiers: Orphanet 77293, MedGen C0268243, MONDO:0011871, OMIM 607616. Disease mechanism: loss of function.
Niemann-Pick disease, type A. Also called: SPHINGOMYELIN LIPIDOSIS; SPHINGOMYELINASE DEFICIENCY; Infantile Neurovisceral ASMD (Niemann-Pick Disease Type A; NPD-A). Identifiers: Orphanet 77292, MedGen C0268242, MONDO:0009756, OMIM 257200. Disease mechanism: loss of function.

Submissions (2):

Women's Health and Genetics/Laboratory Corporation of America, LabCorp
Classification: Uncertain significance. Last evaluated: 2025-07-31. Review status: criteria provided, single submitter. Criteria: LabCorp Variant Classification Summary - May 2015. Collection method: clinical testing. Allele origin: germline.
Comment: Variant summary: SMPD1 c.731G>C (p.Gly244Ala) results in a non-conservative amino acid change in the encoded protein sequence. Algorithms developed to predict the effect of missense changes on protein structure and function are either unavailable or do not agree on the potential impact of this missense change. The frequency data for this variant in gnomAD is considered unreliable, as metrics indicate poor data quality at this position. These data do not allow any conclusion about variant significance. To our knowledge, no experimental evidence demonstrating an impact on protein function has been reported. ClinVar contains an entry for this variant (Variation ID: 1524692). Based on the evidence outlined above, the variant was classified as uncertain significance.

Labcorp Genetics (formerly Invitae), Labcorp
Classification: Likely pathogenic for Niemann-Pick disease, type B; Niemann-Pick disease, type A. Last evaluated: 2024-02-24. Review status: criteria provided, single submitter. Criteria: Invitae Variant Classification Sherloc (09022015). Collection method: clinical testing. Allele origin: germline.
Comment: This sequence change replaces glycine, which is neutral and non-polar, with alanine, which is neutral and non-polar, at codon 244 of the SMPD1 protein (p.Gly244Ala). This variant is not present in population databases (gnomAD no frequency). This missense change has been observed in individual(s) with clinical features of acid sphingomyelinase deficiency (Invitae). In at least one individual the data is consistent with being in trans (on the opposite chromosome) from a pathogenic variant. ClinVar contains an entry for this variant (Variation ID: 1524692). Advanced modeling of protein sequence and biophysical properties (such as structural, functional, and spatial information, amino acid conservation, physicochemical variation, residue mobility, and thermodynamic stability) performed at Invitae indicates that this missense variant is expected to disrupt SMPD1 protein function with a positive predictive value of 95%. This variant disrupts the p.Gly244 amino acid residue in SMPD1. Other variant(s) that disrupt this residue have been observed in individuals with SMPD1-related conditions (PMID: 1618760), which suggests that this may be a clinically significant amino acid residue. In summary, the currently available evidence indicates that the variant is pathogenic, but additional data are needed to prove that conclusively. Therefore, this variant has been classified as Likely Pathogenic.

Literature cited by the submitters: PubMed 1618760 (cited by Labcorp Genetics (formerly Invitae), Labcorp).